The following is an entry in ClinVar:

ClinVar aggregate classification (germline): Uncertain significance. Review status: criteria provided, multiple submitters, no conflicts (2 of 4 stars). 2 submissions from 2 submitters: Uncertain significance (2). Last evaluated 2025-09-29.

Conditions:
Hereditary cancer-predisposing syndrome. Also called: Tumor predisposition; Hereditary neoplastic syndrome; Hereditary Cancer Syndrome; Neoplastic Syndromes, Hereditary. Identifiers: Orphanet 140162, MedGen C0027672, MeSH D009386, MONDO:0015356.

Allele frequency attached by ClinVar (database versions not stated): ExAC 0.00001; gnomAD 0.00001; gnomAD exomes 0.00001; TOPMed 0.00002.
gnomAD v4.1: 5 of 1,613,718 alleles (0.00031%); highest among the groups gnomAD compares: East Asian, 0.0022%; no homozygotes.

Submissions (2):

Ambry Genetics
Classification: Uncertain significance for Hereditary cancer-predisposing syndrome. Last evaluated: 2025-09-29. Review status: criteria provided, single submitter. Criteria: Ambry Variant Classification Scheme 2023. Collection method: clinical testing. Allele origin: germline.
Comment: The p.M795T variant (also known as c.2384T>C), located in coding exon 14 of the RAD50 gene, results from a T to C substitution at nucleotide position 2384. The methionine at codon 795 is replaced by threonine, an amino acid with similar properties. This amino acid position is highly conserved in available vertebrate species. In addition, this alteration is predicted to be deleterious by in silico analysis. Since supporting evidence is limited at this time, the clinical significance of this alteration remains unclear.

Labcorp Genetics (formerly Invitae), Labcorp
Classification: Uncertain significance for Hereditary cancer-predisposing syndrome. Last evaluated: 2023-11-09. Review status: criteria provided, single submitter. Criteria: Invitae Variant Classification Sherloc (09022015). Collection method: clinical testing. Allele origin: germline.
Comment: This sequence change replaces methionine, which is neutral and non-polar, with threonine, which is neutral and polar, at codon 795 of the RAD50 protein (p.Met795Thr). This variant is present in population databases (rs750758481, gnomAD 0.006%). This variant has not been reported in the literature in individuals affected with RAD50-related conditions. ClinVar contains an entry for this variant (Variation ID: 578305). Advanced modeling of protein sequence and biophysical properties (such as structural, functional, and spatial information, amino acid conservation, physicochemical variation, residue mobility, and thermodynamic stability) performed at Invitae indicates that this missense variant is expected to disrupt RAD50 protein function with a positive predictive value of 80%. In summary, the available evidence is currently insufficient to determine the role of this variant in disease. Therefore, it has been classified as a Variant of Uncertain Significance.

NM_005732.4(RAD50):c.2384T>C (p.Met795Thr)

Gene: RAD50 (RAD50 double strand break repair protein; plus strand). Cytogenetic location: 5q31.1.
Variant type: single nucleotide variant.
Coding change: c.2384T>C on transcript NM_005732.4 (MANE Select); coding-DNA position 2384, T replaced by C.
Protein change: p.Met795Thr; replaces methionine 795 with threonine.
Molecular consequence: missense variant.
Genome position (GRCh38, 1-based): chr5:132,603,476, T>C. VCF-style: chr5-132603476-T-C. GRCh37 (hg19) VCF-style: chr5-131939168-T-C.
Other names: short protein forms M795T.
Identifiers: ClinVar variation 578305 (VCV000578305.14), dbSNP rs750758481, ClinGen allele CA3405376.